The following is an entry in ClinVar:

NM_016122.3(CEP83):c.1177G>A (p.Val393Ile)

Gene: CEP83 (centrosomal protein 83; minus strand). Cytogenetic location: 12q22.
Variant type: single nucleotide variant.
Coding change: c.1177G>A on transcript NM_016122.3 (MANE Select); coding-DNA position 1177, G replaced by A.
Protein change: p.Val393Ile; replaces valine 393 with isoleucine.
Molecular consequence: missense variant. On other transcripts: non-coding transcript variant (1).
Genome position (GRCh38, 1-based): chr12:94,368,073, C>T on the plus strand (G>A on the coding strand, the complement: CEP83 is on the minus strand). VCF-style: chr12-94368073-C-T. GRCh37 (hg19) VCF-style: chr12-94761849-C-T.
Other names: c.1177G>A, p.Val393Ile (NM_001042399.2, NM_001346457.2, NM_001368037.1 and 1 more transcripts); c.865G>A, p.Val289Ile (NM_001346458.2, NM_001346459.2, NM_001368039.1 and 1 more transcripts); c.952G>A, p.Val318Ile (NM_001368041.1); short protein forms V318I, V289I, V393I.
Identifiers: ClinVar variation 2122108 (VCV002122108.4), dbSNP rs895318708, ClinGen allele CA242062016.

ClinVar aggregate classification (germline): Uncertain significance (1 of 4 stars; one submission).

Conditions:
Nephronophthisis 18 (NPHP18). Identifiers: Orphanet 655, MedGen C3890591, MONDO:0014374, OMIM 615862.

Allele frequency attached by ClinVar (database versions not stated): gnomAD exomes below 0.00001.
gnomAD v4.1: 1 of 1,612,776 alleles (0.000062%); highest among the groups gnomAD compares: Non-Finnish European, 0.000085%; no homozygotes.

Submission:

Labcorp Genetics (formerly Invitae), Labcorp
Classification: Uncertain significance for Nephronophthisis 18. Last evaluated: 2023-08-04. Review status: criteria provided, single submitter. Criteria: Invitae Variant Classification Sherloc (09022015). Collection method: clinical testing. Allele origin: germline.
Comment: This sequence change replaces valine, which is neutral and non-polar, with isoleucine, which is neutral and non-polar, at codon 393 of the CEP83 protein (p.Val393Ile). This variant is not present in population databases (gnomAD no frequency). This variant has not been reported in the literature in individuals affected with CEP83-related conditions. ClinVar contains an entry for this variant (Variation ID: 2122108). Advanced modeling of protein sequence and biophysical properties (such as structural, functional, and spatial information, amino acid conservation, physicochemical variation, residue mobility, and thermodynamic stability) performed at Invitae indicates that this missense variant is not expected to disrupt CEP83 protein function. In summary, the available evidence is currently insufficient to determine the role of this variant in disease. Therefore, it has been classified as a Variant of Uncertain Significance.